The following is an entry in ClinVar:

NM_024753.5(TTC21B):c.259C>G (p.Pro87Ala)

Gene: TTC21B (tetratricopeptide repeat domain 21B; minus strand). Cytogenetic location: 2q24.3.
Variant type: single nucleotide variant.
Coding change: c.259C>G on transcript NM_024753.5 (MANE Select); coding-DNA position 259, C replaced by G.
Protein change: p.Pro87Ala; replaces proline 87 with alanine.
Molecular consequence: missense variant.
Genome position (GRCh38, 1-based): chr2:165,949,397, G>C on the plus strand (C>G on the coding strand, the complement: TTC21B is on the minus strand). VCF-style: chr2-165949397-G-C. GRCh37 (hg19) VCF-style: chr2-166805907-G-C.
Other names: c.259C>G (NM_024753.4); short protein forms P87A.
Identifiers: ClinVar variation 2061920 (VCV002061920.5), dbSNP rs547942484, ClinGen allele CA349055337.

ClinVar aggregate classification (germline): Uncertain significance. Review status: criteria provided, multiple submitters, no conflicts (2 of 4 stars). 2 submissions from 2 submitters: Uncertain significance (2). Last evaluated 2023-02-14.

Conditions:
Jeune thoracic dystrophy. Also called: Infantile thoracic dystrophy; Thoracic pelvic phalangeal dystrophy; Jeune's syndrome; Chondroectodermal dysplasia-like syndrome; Short-rib thoracic dysplasia; Jeune syndrome. Identifiers: Orphanet 474, MedGen C0265275, MONDO:0018770.
Nephronophthisis. Also called: Juvenile Nephronophthisis. Identifiers: Orphanet 655, MedGen C0687120, MONDO:0019005, HP:0000090.

Submissions (2):

GeneDx
Classification: Uncertain significance. Last evaluated: 2023-02-14. Review status: criteria provided, single submitter. Criteria: GeneDx Variant Classification Process June 2021. Collection method: clinical testing. Allele origin: germline. Affected: yes.
Comment: Not observed at significant frequency in large population cohorts (gnomAD); In silico analysis supports that this missense variant does not alter protein structure/function; Has not been previously published as pathogenic or benign to our knowledge

Labcorp Genetics (formerly Invitae), Labcorp
Classification: Uncertain significance for Jeune thoracic dystrophy; Nephronophthisis. Last evaluated: 2021-12-27. Review status: criteria provided, single submitter. Criteria: Invitae Variant Classification Sherloc (09022015). Collection method: clinical testing. Allele origin: germline.
Comment: This sequence change replaces proline, which is neutral and non-polar, with alanine, which is neutral and non-polar, at codon 87 of the TTC21B protein (p.Pro87Ala). In summary, the available evidence is currently insufficient to determine the role of this variant in disease. Therefore, it has been classified as a Variant of Uncertain Significance. Algorithms developed to predict the effect of missense changes on protein structure and function are either unavailable or do not agree on the potential impact of this missense change (SIFT: "Deleterious"; PolyPhen-2: "Benign"; Align-GVGD: "Class C0"). This variant has not been reported in the literature in individuals affected with TTC21B-related conditions. This variant is not present in population databases (gnomAD no frequency).